The following is an entry in ClinVar:

ClinVar aggregate classification (germline): Conflicting classifications of pathogenicity. Review status: criteria provided, conflicting classifications (1 of 4 stars). 2 submissions from 2 submitters: Uncertain significance (1); Likely benign (1). Last evaluated 2025-11-11.

Conditions:
Neuroblastoma, susceptibility to, 3. Also called: ALK-Related Neuroblastic Tumor Susceptibility. Identifiers: Orphanet 635, MedGen C2751681, MONDO:0013083, OMIM 613014.
Hereditary cancer-predisposing syndrome. Also called: Neoplastic Syndromes, Hereditary; Hereditary Cancer Syndrome; Hereditary neoplastic syndrome; Tumor predisposition. Identifiers: Orphanet 140162, MedGen C0027672, MeSH D009386, MONDO:0015356.

Submissions (2):

Labcorp Genetics (formerly Invitae), Labcorp
Classification: Uncertain significance for Neuroblastoma, susceptibility to, 3. Last evaluated: 2025-11-11. Review status: criteria provided, single submitter. Criteria: Invitae Variant Classification Sherloc (09022015). Collection method: clinical testing. Allele origin: germline.
Comment: This sequence change creates a premature translational stop signal (p.Glu1028Serfs*8) in the ALK gene. It is expected to result in an absent or disrupted protein product. However, the current clinical and genetic evidence is not sufficient to establish whether loss-of-function variants in ALK cause disease. This variant is not present in population databases (gnomAD no frequency). This variant has not been reported in the literature in individuals affected with ALK-related conditions. ClinVar contains an entry for this variant (Variation ID: 850207). In summary, the available evidence is currently insufficient to determine the role of this variant in disease. Therefore, it has been classified as a Variant of Uncertain Significance.

Ambry Genetics
Classification: Likely benign for Hereditary cancer-predisposing syndrome. Last evaluated: 2025-08-07. Review status: criteria provided, single submitter. Criteria: Ambry Variant Classification Scheme 2023. Collection method: clinical testing. Allele origin: germline.

NM_004304.5(ALK):c.3082del (p.Glu1028fs)

Gene: ALK (ALK receptor tyrosine kinase; minus strand). Cytogenetic location: 2p23.2.
Variant type: Deletion.
Coding change: c.3082del on transcript NM_004304.5 (MANE Select); coding-DNA position 3082, one base deleted (G; older notation c.3082delG).
Protein change: p.Glu1028fs; shifts the reading frame from glutamic acid 1028.
Molecular consequence: frameshift variant.
Genome position (GRCh38, 1-based): chr2:29,225,551, C deleted on the plus strand (G on the coding strand, the reverse complement: ALK is on the minus strand); the first of 2 consecutive C bases (chr2:29,225,551-29,225,552); deleting either gives the same sequence. VCF-style (leftmost placement, unchanged base first): chr2-29225550-TC-T. GRCh37 (hg19) VCF-style: chr2-29448416-TC-T.
Other names: c.3082delG (NM_004304.4); short protein forms E1028fs.
Identifiers: ClinVar variation 850207 (VCV000850207.8), dbSNP rs1663951981, ClinGen allele CA425435738.
Genomic context (GRCh38, chr2:29,225,550, plus strand): 5'-AGGGCGGCCACGAGGGCAGAGGTCACCACAGAGAGGATCAGCGAGAGTGGCAGGTGTGGC[TC>T]CGGGGTGGGTGACACTGGAAGACAGGTCCCACTGGGGTATTGACAACCACACCAGGTCTC-3'